The following is an entry in ClinVar:

NM_207391.3(RGS9BP):c.181G>A (p.Val61Met)

Gene: RGS9BP (regulator of G protein signaling 9 binding protein; plus strand). Cytogenetic location: 19q13.11.
Variant type: single nucleotide variant.
Coding change: c.181G>A on transcript NM_207391.3 (MANE Select); coding-DNA position 181, G replaced by A.
Protein change: p.Val61Met; replaces valine 61 with methionine.
Molecular consequence: missense variant.
Genome position (GRCh38, 1-based): chr19:32,676,444, G>A. VCF-style: chr19-32676444-G-A. GRCh37 (hg19) VCF-style: chr19-33167350-G-A.
Other names: short protein forms V61M.
Identifiers: ClinVar variation 1505145 (VCV001505145.6), dbSNP rs1235340864, ClinGen allele CA405185757.
Genomic context (GRCh38, chr19:32,676,444, plus strand): 5'-CAAAAGACGCGCCAGAAGGCGCAGGAGCTGGCGGTGTCCACCTGCGCCCGGCTGACTGCT[G>A]TGCTGCGCGACCGGGGCCTGGCCGCCGACGAGCGCGCCGAGTTCGAGCGGCTCTGGGTGG-3'
Protein context (NP_997274.2, residues 51-71): AVSTCARLTA[Val61Met]LRDRGLAADE

ClinVar aggregate classification (germline): Uncertain significance (1 of 4 stars; one submission).

Allele frequency attached by ClinVar (database versions not stated): gnomAD exomes below 0.00001; TOPMed below 0.00001.
gnomAD v4.1: 2 of 1,586,776 alleles (0.00013%); highest among the groups gnomAD compares: Non-Finnish European, 0.00017%; no homozygotes.

Submission:

Labcorp Genetics (formerly Invitae), Labcorp
Classification: Uncertain significance. Last evaluated: 2022-07-09. Review status: criteria provided, single submitter. Criteria: Invitae Variant Classification Sherloc (09022015). Collection method: clinical testing. Allele origin: germline.
Comment: This sequence change replaces valine, which is neutral and non-polar, with methionine, which is neutral and non-polar, at codon 61 of the RGS9BP protein (p.Val61Met). This variant is not present in population databases (gnomAD no frequency). In summary, the available evidence is currently insufficient to determine the role of this variant in disease. Therefore, it has been classified as a Variant of Uncertain Significance. Algorithms developed to predict the effect of missense changes on protein structure and function are either unavailable or do not agree on the potential impact of this missense change (SIFT: "Tolerated"; PolyPhen-2: "Possibly Damaging"; Align-GVGD: "Class C0"). ClinVar contains an entry for this variant (Variation ID: 1505145). This variant has not been reported in the literature in individuals affected with RGS9BP-related conditions.